The following is an entry in ClinVar:

NM_015168.2(ZC3H4):c.2857C>T (p.Arg953Trp)

Gene: ZC3H4 (zinc finger CCCH-type containing 4; minus strand). Cytogenetic location: 19q13.32.
Variant type: single nucleotide variant.
Coding change: c.2857C>T on transcript NM_015168.2 (MANE Select); coding-DNA position 2857, C replaced by T.
Protein change: p.Arg953Trp; replaces arginine 953 with tryptophan.
Molecular consequence: missense variant.
Genome position (GRCh38, 1-based): chr19:47,067,411, G>A on the plus strand (C>T on the coding strand, the complement: ZC3H4 is on the minus strand). VCF-style: chr19-47067411-G-A. GRCh37 (hg19) VCF-style: chr19-47570668-G-A.
Other names: short protein forms R953W.
Identifiers: ClinVar variation 3347800 (VCV003347800.1).

ClinVar aggregate classification (germline): Uncertain significance (0 of 4 stars; one submission).

Conditions:
ZC3H4-related disorder. Also called: ZC3H4-related condition.

Submission:

PreventionGenetics, part of Exact Sciences
Classification: Uncertain significance for ZC3H4-related condition. Last evaluated: 2024-05-08. Review status: no assertion criteria provided. Collection method: clinical testing. Allele origin: germline.
Comment: The ZC3H4 c.2857C>T variant is predicted to result in the amino acid substitution p.Arg953Trp. To our knowledge, this variant has not been reported in the literature. This variant is reported in just one of 31328 alleles in gnomAD. At this time, the clinical significance of this variant is uncertain due to the absence of conclusive functional and genetic evidence.